The following is an entry in ClinVar:

ClinVar aggregate classification (germline): Uncertain significance. Review status: criteria provided, multiple submitters, no conflicts (2 of 4 stars). 4 submissions from 4 submitters: Uncertain significance (4). Last evaluated 2025-09-25.

Conditions:
Von Hippel-Lindau syndrome (VHLS). Also called: Von Hippel-Lindau; von Hippel–Lindau syndrome; VHL syndrome. Identifiers: Orphanet 892, MedGen C0019562, MONDO:0008667, OMIM 193300. Disease mechanism: loss of function.
Pheochromocytoma. Also called: MAX-Related Hereditary Paraganglioma-Pheochromocytoma Syndrome. Identifiers: Orphanet 29072, MedGen C0031511, MONDO:0008233, OMIM 171300, HP:0002666.
Nonpapillary renal cell carcinoma. Identifiers: Orphanet 422526, MedGen CN074294, MONDO:0007763, OMIM 144700.
Chuvash polycythemia. Also called: POLYCYTHEMIA, VHL-DEPENDENT. Identifiers: Orphanet 238557, MedGen C1837915, MONDO:0009892, OMIM 263400.
Hereditary cancer-predisposing syndrome. Also called: Tumor predisposition; Hereditary neoplastic syndrome; Neoplastic Syndromes, Hereditary; Hereditary Cancer Syndrome. Identifiers: Orphanet 140162, MedGen C0027672, MeSH D009386, MONDO:0015356.

Allele frequency attached by ClinVar (database versions not stated): gnomAD 0.00001.
gnomAD v4.1: 1 of 1,613,272 alleles (0.000062%); highest among the groups gnomAD compares: Non-Finnish European, 0.000085%; no homozygotes.

Submissions (4):

Ambry Genetics
Classification: Uncertain significance for Hereditary cancer-predisposing syndrome. Last evaluated: 2025-09-25. Review status: criteria provided, single submitter. Criteria: Ambry Variant Classification Scheme 2023. Collection method: clinical testing. Allele origin: germline.
Comment: The p.D213H variant (also known as c.637G>C), located in coding exon 3 of the VHL gene, results from a G to C substitution at nucleotide position 637. The aspartic acid at codon 213 is replaced by histidine, an amino acid with similar properties. This amino acid position is not well conserved in available vertebrate species. In addition, the in silico prediction for this alteration is inconclusive. Based on the available evidence, the clinical significance of this variant remains unclear.

Labcorp Genetics (formerly Invitae), Labcorp
Classification: Uncertain significance for Von Hippel-Lindau syndrome; Chuvash polycythemia. Last evaluated: 2025-06-01. Review status: criteria provided, single submitter. Criteria: Invitae Variant Classification Sherloc (09022015). Collection method: clinical testing. Allele origin: germline.
Comment: This sequence change replaces aspartic acid, which is acidic and polar, with histidine, which is basic and polar, at codon 213 of the VHL protein (p.Asp213His). This variant is not present in population databases (gnomAD no frequency). This variant has not been reported in the literature in individuals affected with VHL-related conditions. ClinVar contains an entry for this variant (Variation ID: 1376154). An algorithm developed to predict the effect of missense changes on protein structure and function outputs the following: PolyPhen-2: "Possibly Damaging". The histidine amino acid residue is found in multiple mammalian species, which suggests that this missense change does not adversely affect protein function. In summary, the available evidence is currently insufficient to determine the role of this variant in disease. Therefore, it has been classified as a Variant of Uncertain Significance.

All of Us Research Program, National Institutes of Health
Classification: Uncertain significance for Von Hippel-Lindau syndrome. Last evaluated: 2024-05-30. Review status: criteria provided, single submitter. Criteria: ACMG Guidelines, 2015. Collection method: clinical testing. Allele origin: germline. Inheritance: Autosomal dominant inheritance. Observed: 2 variant alleles, 2 heterozygotes.
Comment: This missense variant replaces aspartic acid with histidine at codon 213 of the VHL protein. Computational prediction suggests that this variant may not impact protein structure and function (internally defined REVEL score threshold <= 0.5, PMID: 27666373). To our knowledge, functional studies have not been reported for this variant. This variant has not been reported in individuals affected with VHL-related disorders in the literature. This variant has not been identified in the general population by the Genome Aggregation Database (gnomAD). The available evidence is insufficient to determine the role of this variant in disease conclusively. Therefore, this variant is classified as a Variant of Uncertain Significance.

This study involves interpretation of variants in research participants for the purpose of population health screening. Participant phenotype was not available at the time of variant classification. Additional details can be found in publication PMID: 35346344, PMCID: PMC8962531

Fulgent Genetics
Classification: Uncertain significance for Nonpapillary renal cell carcinoma; Pheochromocytoma; Von Hippel-Lindau syndrome; Chuvash polycythemia. Last evaluated: 2022-02-08. Review status: criteria provided, single submitter. Criteria: ACMG Guidelines, 2015. Collection method: clinical testing. Allele origin: unknown.

NM_000551.4(VHL):c.637G>C (p.Asp213His)

Genes: VHL (von Hippel-Lindau tumor suppressor; plus strand), LOC107303340 (3p25 von Hippel-Lindau tumor suppressor, E3 ubiquitin protein ligase Alu-mediated recombination region; plus strand). Cytogenetic location: 3p25.3.
Variant type: single nucleotide variant.
Coding change: c.637G>C on transcript NM_000551.4 (MANE Select); coding-DNA position 637, G replaced by C.
Protein change: p.Asp213His; replaces aspartic acid 213 with histidine.
Molecular consequence: missense variant. On other transcripts: 3 prime UTR variant (1).
Genome position (GRCh38, 1-based): chr3:10,149,960, G>C. VCF-style: chr3-10149960-G-C. GRCh37 (hg19) VCF-style: chr3-10191644-G-C.
Other names: c.*191G>C (NM_001354723.2); c.514G>C, p.Asp172His (NM_198156.3); short protein forms D213H, D172H.
Identifiers: ClinVar variation 1376154 (VCV001376154.10), dbSNP rs1696367993, ClinGen allele CA351756711.